The following is an entry in ClinVar:

NM_001377334.1(PIK3C2B):c.2726C>T (p.Ser909Leu)

Gene: PIK3C2B (phosphatidylinositol-4-phosphate 3-kinase catalytic subunit type 2 beta; minus strand). Cytogenetic location: 1q32.1.
Variant type: single nucleotide variant.
Coding change: c.2726C>T on transcript NM_001377334.1 (MANE Select); coding-DNA position 2726, C replaced by T.
Protein change: p.Ser909Leu; replaces serine 909 with leucine.
Molecular consequence: missense variant.
Genome position (GRCh38, 1-based): chr1:204,444,377, G>A on the plus strand (C>T on the coding strand, the complement: PIK3C2B is on the minus strand). VCF-style: chr1-204444377-G-A. GRCh37 (hg19) VCF-style: chr1-204413505-G-A.
Other names: c.2642C>T, p.Ser881Leu (NM_001377335.1); c.2726C>T, p.Ser909Leu (NM_002646.4); short protein forms S881L, S909L.
Identifiers: ClinVar variation 3036417 (VCV003036417.2), dbSNP rs150983515, ClinGen allele CA1347597.

ClinVar aggregate classification (germline): Likely benign (0 of 4 stars; one submission).

Conditions:
PIK3C2B-related disorder. Also called: PIK3C2B-related condition.

Allele frequency attached by ClinVar (database versions not stated): gnomAD exomes 0.00003; ExAC 0.00021; gnomAD 0.00054; TOPMed 0.00054; ESP Exome Variant Server 0.00092.
gnomAD v4.1: 125 of 1,613,872 alleles (0.0077%); highest among the groups gnomAD compares: African/African-American, 0.16%; no homozygotes.

Submission:

PreventionGenetics, part of Exact Sciences
Classification: Likely benign for PIK3C2B-related condition. Last evaluated: 2022-05-17. Review status: no assertion criteria provided. Collection method: clinical testing. Allele origin: germline.
Comment: This variant is classified as likely benign based on ACMG/AMP sequence variant interpretation guidelines (Richards et al. 2015 PMID: 25741868, with internal and published modifications).